The following is an entry in ClinVar:

NM_031935.3(HMCN1):c.13102A>G (p.Ile4368Val)

Gene: HMCN1 (hemicentin 1; plus strand). Cytogenetic location: 1q31.1.
Variant type: single nucleotide variant.
Coding change: c.13102A>G on transcript NM_031935.3 (MANE Select); coding-DNA position 13102, A replaced by G.
Protein change: p.Ile4368Val; replaces isoleucine 4368 with valine.
Molecular consequence: missense variant.
Genome position (GRCh38, 1-based): chr1:186,130,569, A>G. VCF-style: chr1-186130569-A-G. GRCh37 (hg19) VCF-style: chr1-186099701-A-G.
Other names: short protein forms I4368V.
Identifiers: ClinVar variation 2979129 (VCV002979129.3), dbSNP rs781483833, ClinGen allele CA1294549.

ClinVar aggregate classification (germline): Uncertain significance (1 of 4 stars; one submission).

Allele frequency attached by ClinVar (database versions not stated): TOPMed 0.00001; gnomAD 0.00002; ExAC 0.00003; gnomAD exomes 0.00004.
gnomAD v4.1: 28 of 1,613,468 alleles (0.0017%); highest among the groups gnomAD compares: East Asian, 0.0022%; no homozygotes.

Submission:

Labcorp Genetics (formerly Invitae), Labcorp
Classification: Uncertain significance. Last evaluated: 2024-06-29. Review status: criteria provided, single submitter. Criteria: Invitae Variant Classification Sherloc (09022015). Collection method: clinical testing. Allele origin: germline.
Comment: This sequence change replaces isoleucine, which is neutral and non-polar, with valine, which is neutral and non-polar, at codon 4368 of the HMCN1 protein (p.Ile4368Val). The frequency data for this variant in the population databases is considered unreliable, as metrics indicate poor data quality at this position in the gnomAD database. This variant has not been reported in the literature in individuals affected with HMCN1-related conditions. Algorithms developed to predict the effect of missense changes on protein structure and function output the following: SIFT: "Not Available"; PolyPhen-2: "Benign"; Align-GVGD: "Not Available". The valine amino acid residue is found in multiple mammalian species, which suggests that this missense change does not adversely affect protein function. In summary, the available evidence is currently insufficient to determine the role of this variant in disease. Therefore, it has been classified as a Variant of Uncertain Significance.